The following is an entry in ClinVar:

ClinVar aggregate classification (germline): Uncertain significance (1 of 4 stars; one submission).

Submission:

CeGaT Center for Human Genetics Tuebingen
Classification: Uncertain significance. Last evaluated: 2025-10-01. Review status: criteria provided, single submitter. Criteria: CeGaT Center For Human Genetics Tuebingen Variant Classification Criteria Version 2. Collection method: clinical testing. Allele origin: germline. Affected: yes. Observed: 1 variant allele.
Comment: ACVR2B: PM2, PP3

NM_001106.4(ACVR2B):c.101C>T (p.Ala34Val)

Gene: ACVR2B (activin A receptor type 2B; plus strand). Cytogenetic location: 3p22.2.
Variant type: single nucleotide variant.
Coding change: c.101C>T on transcript NM_001106.4 (MANE Select); coding-DNA position 101, C replaced by T.
Protein change: p.Ala34Val; replaces alanine 34 with valine.
Molecular consequence: missense variant.
Genome position (GRCh38, 1-based): chr3:38,477,335, C>T. VCF-style: chr3-38477335-C-T. GRCh37 (hg19) VCF-style: chr3-38518826-C-T.
Other names: short protein forms A34V.
Identifiers: ClinVar variation 4534836 (VCV004534836.6).